The following is an entry in ClinVar:

NM_030958.3(SLCO5A1):c.694C>G (p.Pro232Ala)

Gene: SLCO5A1 (solute carrier organic anion transporter family member 5A1; minus strand). Cytogenetic location: 8q13.3.
Variant type: single nucleotide variant.
Coding change: c.694C>G on transcript NM_030958.3 (MANE Select); coding-DNA position 694, C replaced by G.
Protein change: p.Pro232Ala; replaces proline 232 with alanine.
Molecular consequence: missense variant.
Genome position (GRCh38, 1-based): chr8:69,831,980, G>C on the plus strand (C>G on the coding strand, the complement: SLCO5A1 is on the minus strand). VCF-style: chr8-69831980-G-C. GRCh37 (hg19) VCF-style: chr8-70744215-G-C.
Other names: c.694C>G, p.Pro232Ala (NM_001146008.2, NM_001146009.1); short protein forms P232A.
Identifiers: ClinVar variation 3716715 (VCV003716715.2).
Genomic context (GRCh38, chr8:69,831,980, plus strand): 5'-GACAGGCCGGAGGCTCCAAAGTGGCGGTGGAGTTGCCACCCTGACACAGGCCGTCGTTGG[G>C]GGCCGAGGCGTTCAACTCTTGGATCTGGTAGGGGGGCGAGATGAAGTGAGGTAAGGCGAA-3'
Protein context (NP_112220.2, residues 222-242): YQIQELNASA[Pro232Ala]NDGLCQGGNS

ClinVar aggregate classification (germline): Uncertain significance (1 of 4 stars; one submission).

gnomAD v4.1: 5 of 1,593,570 alleles (0.00031%); highest among the groups gnomAD compares: Admixed American, 0.007%; no homozygotes.

Submission:

Labcorp Genetics (formerly Invitae), Labcorp
Classification: Uncertain significance. Last evaluated: 2025-08-29. Review status: criteria provided, single submitter. Criteria: Invitae Variant Classification Sherloc (09022015). Collection method: clinical testing. Allele origin: germline.
Comment: This sequence change replaces proline, which is neutral and non-polar, with alanine, which is neutral and non-polar, at codon 232 of the SLCO5A1 protein (p.Pro232Ala). This variant is present in population databases (rs772057580, gnomAD 0.006%). This variant has not been reported in the literature in individuals affected with SLCO5A1-related conditions. ClinVar contains an entry for this variant (Variation ID: 3716715). An algorithm developed to predict the effect of missense changes on protein structure and function outputs the following: PolyPhen-2: "Benign". The alanine amino acid residue is found in multiple mammalian species, which suggests that this missense change does not adversely affect protein function. In summary, the available evidence is currently insufficient to determine the role of this variant in disease. Therefore, it has been classified as a Variant of Uncertain Significance.